The following is an entry in ClinVar:

NM_023068.4(SIGLEC1):c.3293G>A (p.Arg1098Gln)

Gene: SIGLEC1 (sialic acid binding Ig like lectin 1; minus strand). Cytogenetic location: 20p13.
Variant type: single nucleotide variant.
Coding change: c.3293G>A on transcript NM_023068.4 (MANE Select); coding-DNA position 3293, G replaced by A.
Protein change: p.Arg1098Gln; replaces arginine 1098 with glutamine.
Molecular consequence: missense variant.
Genome position (GRCh38, 1-based): chr20:3,693,662, C>T on the plus strand (G>A on the coding strand, the complement: SIGLEC1 is on the minus strand). VCF-style: chr20-3693662-C-T. GRCh37 (hg19) VCF-style: chr20-3674309-C-T.
Other names: c.3293G>A, p.Arg1098Gln (NM_001367089.1); short protein forms R1098Q.
Identifiers: ClinVar variation 3904832 (VCV003904832.10).
Genomic context (GRCh38, chr20:3,693,662, plus strand): 5'-GTGAGCTGGGCCGGGTGAGTGGTCCACACAAGGCAGGTCAGGTTCACCAGCTGCCCCTCC[C>T]GCACGGTAGCCCCGGGCCACACCTGCACATTCACAGCTGGGGAGAGGGAGGGCACAGGAC-3'
Protein context (NP_075556.1, residues 1088-1108): NVQVWPGATV[Arg1098Gln]EGQLVNLTCL

ClinVar aggregate classification (germline): Likely benign (1 of 4 stars; one submission).

gnomAD v4.1: 13,746 of 1,605,986 alleles (0.86%); highest among the groups gnomAD compares: Non-Finnish European, 0.85%; 116 homozygotes.

Submission:

CeGaT Center for Human Genetics Tuebingen
Classification: Likely benign. Last evaluated: 2025-05-01. Review status: criteria provided, single submitter. Criteria: CeGaT Center For Human Genetics Tuebingen Variant Classification Criteria Version 2. Collection method: clinical testing. Allele origin: germline. Affected: yes. Observed: 1 variant allele.
Comment: SIGLEC1: BP4, BS2